The following is an entry in ClinVar:

NM_006270.5(RRAS):c.275C>T (p.Ala92Val)

Gene: RRAS (RAS related; minus strand). Cytogenetic location: 19q13.33.
Variant type: single nucleotide variant.
Coding change: c.275C>T on transcript NM_006270.5 (MANE Select); coding-DNA position 275, C replaced by T.
Protein change: p.Ala92Val; replaces alanine 92 with valine.
Molecular consequence: missense variant.
Genome position (GRCh38, 1-based): chr19:49,636,893, G>A on the plus strand (C>T on the coding strand, the complement: RRAS is on the minus strand). VCF-style: chr19-49636893-G-A. GRCh37 (hg19) VCF-style: chr19-50140150-G-A.
Other names: short protein forms A92V.
Identifiers: ClinVar variation 2449548 (VCV002449548.2), dbSNP rs2513706777, ClinGen allele CA406847403.
Genomic context (GRCh38, chr19:49,636,893, plus strand): 5'-TCGTTAATGGCGAACACCAGCAGGAAGCCGTGGCCAGCACGCATGTACTGCTCTCTCATG[G>A]CCCCGAACTCTTCCTGGCCCGCGGTGTCCAGGACTGCAGAGACAGGGAGAGGGGCCATCG-3'
Protein context (NP_006261.1, residues 82-102): LDTAGQEEFG[Ala92Val]MREQYMRAGH

ClinVar aggregate classification (germline): Uncertain significance (1 of 4 stars; one submission).

Submission:

Ambry Genetics
Classification: Uncertain significance. Last evaluated: 2022-12-23. Review status: criteria provided, single submitter. Criteria: Ambry Variant Classification Scheme 2023. Collection method: clinical testing. Allele origin: germline.
Comment: The p.A92V variant (also known as c.275C>T), located in coding exon 3 of the RRAS gene, results from a C to T substitution at nucleotide position 275. The alanine at codon 92 is replaced by valine, an amino acid with similar properties. This amino acid position is conserved. In addition, the in silico prediction for this alteration is inconclusive. Since supporting evidence is limited at this time, the clinical significance of this alteration remains unclear.